The following is an entry in ClinVar:

NM_020987.5(ANK3):c.10348G>C (p.Gly3450Arg)

Gene: ANK3 (ankyrin 3; minus strand). Cytogenetic location: 10q21.2.
Variant type: single nucleotide variant.
Coding change: c.10348G>C on transcript NM_020987.5 (MANE Select); coding-DNA position 10348, G replaced by C.
Protein change: p.Gly3450Arg; replaces glycine 3450 with arginine.
Molecular consequence: missense variant. On other transcripts: intron variant (4).
Genome position (GRCh38, 1-based): chr10:60,070,533, C>G on the plus strand (G>C on the coding strand, the complement: ANK3 is on the minus strand). VCF-style: chr10-60070533-C-G. GRCh37 (hg19) VCF-style: chr10-61830291-C-G.
Other names: c.4388-2524G>C (NM_001204403.2); c.4409-2524G>C (NM_001204404.2); c.4406-2524G>C (NM_001320874.2); c.1808-2524G>C (NM_001149.4); short protein forms G3450R.
Identifiers: ClinVar variation 2112563 (VCV002112563.4), dbSNP rs770538636, ClinGen allele CA5511260.
Genomic context (GRCh38, chr10:60,070,533, plus strand): 5'-CCTCCTCGATAACTTCAAGTTTACTTTGGCTAAAAGAGCGGTCAGCTGGCTTCAGAATGC[C>G]CTCTGTGTTCCAGATATCTTTCTTAATTTCCATGGCTTGAATTGGGAGTTTAGAATCACT-3'
Protein context (NP_066267.2, residues 3440-3460): EIKKDIWNTE[Gly3450Arg]ILKPADRSFS

ClinVar aggregate classification (germline): Uncertain significance (1 of 4 stars; one submission).

Allele frequency attached by ClinVar (database versions not stated): ExAC 0.00002.
gnomAD v4.1: 2 of 1,614,154 alleles (0.00012%); highest among the groups gnomAD compares: Non-Finnish European, 0.00017%; no homozygotes.

Submission:

Labcorp Genetics (formerly Invitae), Labcorp
Classification: Uncertain significance. Last evaluated: 2022-08-15. Review status: criteria provided, single submitter. Criteria: Invitae Variant Classification Sherloc (09022015). Collection method: clinical testing. Allele origin: germline.
Comment: This variant is present in population databases (rs770538636, gnomAD 0.002%). This sequence change replaces glycine, which is neutral and non-polar, with arginine, which is basic and polar, at codon 3450 of the ANK3 protein (p.Gly3450Arg). This variant has not been reported in the literature in individuals affected with ANK3-related conditions. In summary, the available evidence is currently insufficient to determine the role of this variant in disease. Therefore, it has been classified as a Variant of Uncertain Significance. Algorithms developed to predict the effect of missense changes on protein structure and function are either unavailable or do not agree on the potential impact of this missense change (SIFT: "Not Available"; PolyPhen-2: "Probably Damaging"; Align-GVGD: "Not Available").